The following is an entry in ClinVar:

NM_024782.3(NHEJ1):c.112G>A (p.Val38Ile)

Gene: NHEJ1 (non-homologous end joining factor 1; minus strand). Cytogenetic location: 2q35.
Variant type: single nucleotide variant.
Coding change: c.112G>A on transcript NM_024782.3 (MANE Select); coding-DNA position 112, G replaced by A.
Protein change: p.Val38Ile; replaces valine 38 with isoleucine.
Molecular consequence: missense variant. On other transcripts: non-coding transcript variant (1).
Genome position (GRCh38, 1-based): chr2:219,158,251, C>T on the plus strand (G>A on the coding strand, the complement: NHEJ1 is on the minus strand). VCF-style: chr2-219158251-C-T. GRCh37 (hg19) VCF-style: chr2-220022973-C-T.
Other names: c.112G>A, p.Val38Ile (NM_001377498.1, NM_001377499.1); short protein forms V38I.
Identifiers: ClinVar variation 1504506 (VCV001504506.7), dbSNP rs1193921312, ClinGen allele CA350634294.

ClinVar aggregate classification (germline): Uncertain significance (1 of 4 stars; one submission).

Conditions:
Cernunnos-XLF deficiency (IMD124). Also called: SCID, AUTOSOMAL RECESSIVE, T CELL-NEGATIVE, B CELL-NEGATIVE, NK CELL-POSITIVE, WITH MICROCEPHALY, GROWTH RETARDATION, AND SENSITIVITY TO IONIZING RADIATION; Severe combined immunodeficiency with sensitivity to ionizing radiation due to NHEJ1 deficiency; SCID, autosomal recessive, T cell-negative, B cell-negative, NK cell-positive, and sensitivity to ionizing radiation due to NHEJ1 deficiency; IMMUNODEFICIENCY 124, SEVERE COMBINED; NHEJ1 SYNDROME. Identifiers: Orphanet 169079, MedGen C1969799, MONDO:0012650, OMIM 611291.

Allele frequency attached by ClinVar (database versions not stated): gnomAD exomes below 0.00001; gnomAD 0.00001; TOPMed 0.00002.

Submission:

Labcorp Genetics (formerly Invitae), Labcorp
Classification: Uncertain significance for Cernunnos-XLF deficiency. Last evaluated: 2022-03-04. Review status: criteria provided, single submitter. Criteria: Invitae Variant Classification Sherloc (09022015). Collection method: clinical testing. Allele origin: germline.
Comment: Algorithms developed to predict the effect of missense changes on protein structure and function output the following: SIFT: "Tolerated"; PolyPhen-2: "Benign"; Align-GVGD: "Class C0". The isoleucine amino acid residue is found in multiple mammalian species, which suggests that this missense change does not adversely affect protein function. In summary, the available evidence is currently insufficient to determine the role of this variant in disease. Therefore, it has been classified as a Variant of Uncertain Significance. This variant has not been reported in the literature in individuals affected with NHEJ1-related conditions. This variant is present in population databases (no rsID available, gnomAD 0.01%). This sequence change replaces valine, which is neutral and non-polar, with isoleucine, which is neutral and non-polar, at codon 38 of the NHEJ1 protein (p.Val38Ile).